The following is an entry in ClinVar:

ClinVar aggregate classification (germline): Likely benign (1 of 4 stars; one submission).

gnomAD v4.1: 17 of 1,612,212 alleles (0.0011%); highest among the groups gnomAD compares: Non-Finnish European, 0.0014%; no homozygotes.

Submission:

CeGaT Center for Human Genetics Tuebingen
Classification: Likely benign. Last evaluated: 2026-08-01. Review status: criteria provided, single submitter. Criteria: CeGaT Center For Human Genetics Tuebingen Variant Classification Criteria Version 2. Collection method: clinical testing. Allele origin: germline. Affected: yes. Observed: 1 variant allele.
Comment: RALGAPB: BP4

NM_020336.4(RALGAPB):c.3556A>G (p.Arg1186Gly)

Gene: RALGAPB (Ral GTPase activating protein non-catalytic subunit beta; plus strand). Cytogenetic location: 20q11.23.
Variant type: single nucleotide variant.
Coding change: c.3556A>G on transcript NM_020336.4 (MANE Select); coding-DNA position 3556, A replaced by G.
Protein change: p.Arg1186Gly; replaces arginine 1186 with glycine.
Molecular consequence: missense variant.
Genome position (GRCh38, 1-based): chr20:38,562,556, A>G. VCF-style: chr20-38562556-A-G. GRCh37 (hg19) VCF-style: chr20-37191199-A-G.
Other names: c.3556A>G, p.Arg1186Gly (NM_001282917.2); c.3544A>G, p.Arg1182Gly (NM_001282918.2); short protein forms R1182G, R1186G.
Identifiers: ClinVar variation 5039762 (VCV005039762.1).